The following is an entry in ClinVar:

ClinVar aggregate classification (germline): Pathogenic (1 of 4 stars; one submission).

Conditions:
Duchenne muscular dystrophy (DMD). Also called: MUSCULAR DYSTROPHY, PSEUDOHYPERTROPHIC PROGRESSIVE, DUCHENNE TYPE; Duchenne Muscular Dystrophy (DMD). Identifiers: Orphanet 98896, MedGen C0013264, MONDO:0010679, OMIM 310200.

Submission:

Labcorp Genetics (formerly Invitae), Labcorp
Classification: Pathogenic for Duchenne muscular dystrophy. Last evaluated: 2021-02-25. Review status: criteria provided, single submitter. Criteria: Invitae Variant Classification Sherloc (09022015). Collection method: clinical testing. Allele origin: germline.
Comment: This sequence change creates a premature translational stop signal (p.Ser1758*) in the DMD gene. It is expected to result in an absent or disrupted protein product. Loss-of-function variants in DMD are known to be pathogenic (PMID: 16770791, 25007885). This variant is not present in population databases (ExAC no frequency). This nonsense change has been observed in individual(s) with DMD-related conditions (PMID: 32169422). For these reasons, this variant has been classified as Pathogenic.

Literature cited by the submitters: PubMed 16770791; PubMed 25007885; PubMed 32169422.

NM_004006.3(DMD):c.5273C>A (p.Ser1758Ter)

Gene: DMD (dystrophin; minus strand). Cytogenetic location: Xp21.1.
Variant type: single nucleotide variant.
Coding change: c.5273C>A on transcript NM_004006.3 (MANE Select); coding-DNA position 5273, C replaced by A.
Protein change: p.Ser1758Ter; replaces serine 1758 with a stop codon.
Molecular consequence: nonsense.
Genome position (GRCh38, 1-based): chrX:32,362,840, G>T on the plus strand (C>A on the coding strand, the complement: DMD is on the minus strand). VCF-style: chrX-32362840-G-T. GRCh37 (hg19) VCF-style: chrX-32380957-G-T.
Other names: c.5249C>A, p.Ser1750Ter (NM_000109.4); c.5261C>A, p.Ser1754Ter (NM_004009.3); c.4904C>A, p.Ser1635Ter (NM_004010.3); c.1250C>A, p.Ser417Ter (NM_004011.4); c.1241C>A, p.Ser414Ter (NM_004012.4); short protein forms S1750*, S1758*, S1754*, S417*, S1635*, S414*.
Identifiers: ClinVar variation 1412003 (VCV001412003.8), dbSNP rs2147233083, ClinGen allele CA412671084.